The following is an entry in ClinVar:

NM_003242.6(TGFBR2):c.1532A>C (p.Gln511Pro)

Gene: TGFBR2 (transforming growth factor beta receptor 2; plus strand). Cytogenetic location: 3p24.1.
Variant type: single nucleotide variant.
Coding change: c.1532A>C on transcript NM_003242.6 (MANE Select); coding-DNA position 1532, A replaced by C.
Protein change: p.Gln511Pro; replaces glutamine 511 with proline.
Molecular consequence: missense variant.
Genome position (GRCh38, 1-based): chr3:30,691,427, A>C. VCF-style: chr3-30691427-A-C. GRCh37 (hg19) VCF-style: chr3-30732919-A-C.
Other names: c.1607A>C, p.Gln536Pro (NM_001024847.3); c.1715A>C, p.Gln572Pro (NM_001407126.1); c.1640A>C, p.Gln547Pro (NM_001407127.1); c.1559A>C, p.Gln520Pro (NM_001407128.1); c.1535A>C, p.Gln512Pro (NM_001407129.1); c.1529A>C, p.Gln510Pro (NM_001407130.1); c.1427A>C, p.Gln476Pro (NM_001407132.1, NM_001407133.1, NM_001407134.1 and 2 more transcripts); c.1247A>C, p.Gln416Pro (NM_001407137.1); and 2 more; short protein forms Q416P, Q520P, Q547P, Q572P, Q511P, Q510P, Q221P, Q391P.
Identifiers: ClinVar variation 3635626 (VCV003635626.2).

ClinVar aggregate classification (germline): Uncertain significance (1 of 4 stars; one submission).

Conditions:
Familial thoracic aortic aneurysm and aortic dissection (TAAD). Also called: Thoracic aortic aneurysms and dissections. Identifiers: Orphanet 91387, MedGen C4707243, MONDO:0019625.

Submission:

Labcorp Genetics (formerly Invitae), Labcorp
Classification: Uncertain significance for Familial thoracic aortic aneurysm and aortic dissection. Last evaluated: 2024-06-28. Review status: criteria provided, single submitter. Criteria: Invitae Variant Classification Sherloc (09022015). Collection method: clinical testing. Allele origin: germline.
Comment: This sequence change replaces glutamine, which is neutral and polar, with proline, which is neutral and non-polar, at codon 511 of the TGFBR2 protein (p.Gln511Pro). This variant is not present in population databases (gnomAD no frequency). This variant has not been reported in the literature in individuals affected with TGFBR2-related conditions. Advanced modeling of protein sequence and biophysical properties (such as structural, functional, and spatial information, amino acid conservation, physicochemical variation, residue mobility, and thermodynamic stability) has been performed at Invitae for this missense variant, however the output from this modeling did not meet the statistical confidence thresholds required to predict the impact of this variant on TGFBR2 protein function. In summary, the available evidence is currently insufficient to determine the role of this variant in disease. Therefore, it has been classified as a Variant of Uncertain Significance.